The following is an entry in ClinVar:

NM_022168.4(IFIH1):c.78C>G (p.Ile26Met)

Gene: IFIH1 (interferon induced with helicase C domain 1; minus strand). Cytogenetic location: 2q24.2.
Variant type: single nucleotide variant.
Coding change: c.78C>G on transcript NM_022168.4 (MANE Select); coding-DNA position 78, C replaced by G.
Protein change: p.Ile26Met; replaces isoleucine 26 with methionine.
Molecular consequence: missense variant.
Genome position (GRCh38, 1-based): chr2:162,318,230, G>C on the plus strand (C>G on the coding strand, the complement: IFIH1 is on the minus strand). VCF-style: chr2-162318230-G-C. GRCh37 (hg19) VCF-style: chr2-163174740-G-C.
Other names: short protein forms I26M.
Identifiers: ClinVar variation 2009534 (VCV002009534.4), dbSNP rs763364107, ClinGen allele CA1934895.

ClinVar aggregate classification (germline): Uncertain significance (1 of 4 stars; one submission).

Conditions:
Singleton-Merten syndrome 1 (SGMRT1). Also called: Widened medullary cavities of bone, aortic calcification, abnormal dentition, and muscular weakness; Syndrome of widened medullary cavities of the metacarpals and phalanges, aortic calcification and abnormal dentition. Identifiers: Orphanet 85191, MedGen C4225427, MONDO:0024535, OMIM 182250.
Aicardi-Goutieres syndrome 7 (AGS7). Identifiers: Orphanet 51, MedGen C3888244, MONDO:0014367, OMIM 615846.

Allele frequency attached by ClinVar (database versions not stated): ExAC 0.00001; gnomAD exomes 0.00001.
gnomAD v4.1: 3 of 1,614,164 alleles (0.00019%); highest among the groups gnomAD compares: South Asian, 0.0022%; no homozygotes.

Submission:

Labcorp Genetics (formerly Invitae), Labcorp
Classification: Uncertain significance for Aicardi-Goutieres syndrome 7; Singleton-Merten syndrome 1. Last evaluated: 2022-10-07. Review status: criteria provided, single submitter. Criteria: Invitae Variant Classification Sherloc (09022015). Collection method: clinical testing. Allele origin: germline.
Comment: Advanced modeling of protein sequence and biophysical properties (such as structural, functional, and spatial information, amino acid conservation, physicochemical variation, residue mobility, and thermodynamic stability) has been performed at Invitae for this missense variant, however the output from this modeling did not meet the statistical confidence thresholds required to predict the impact of this variant on IFIH1 protein function. In summary, the available evidence is currently insufficient to determine the role of this variant in disease. Therefore, it has been classified as a Variant of Uncertain Significance. This variant is present in population databases (rs763364107, gnomAD 0.003%). This sequence change replaces isoleucine, which is neutral and non-polar, with methionine, which is neutral and non-polar, at codon 26 of the IFIH1 protein (p.Ile26Met). This variant has not been reported in the literature in individuals affected with IFIH1-related conditions. This missense change has been observed in at least one individual who was not affected with IFIH1-related conditions (Invitae).